The following is an entry in ClinVar:

ClinVar aggregate classification (germline): Likely pathogenic (1 of 4 stars; one submission).

Conditions:
Hyperimmunoglobulin D with periodic fever (HIDS). Also called: Hyperimmunoglobulinemia D; HYPERIMMUNOGLOBULINEMIA D AND PERIODIC FEVER SYNDROME; Hyperimmunoglobulinemia D with periodic fever. Identifiers: Orphanet 343, MedGen C0398691, MONDO:0009849, OMIM 260920.
Mevalonic aciduria (MEVA). Identifiers: Orphanet 29, MedGen C1959626, MONDO:0012481, OMIM 610377.

Submission:

Juno Genomics, Hangzhou Juno Genomics, Inc
Classification: Likely pathogenic for Hyperimmunoglobulin D with periodic fever; Mevalonic aciduria. Review status: criteria provided, single submitter. Criteria: ACMG Guidelines, 2015. Collection method: clinical testing. Allele origin: germline.
Comment: Null variant in a gene where loss of function (LOF) is a known mechanism of disease.;Absent from controls (or at extremely low frequency if recessive) in Genome Aggregation Database.

NM_000431.4(MVK):c.596_606del (p.Asn199fs)

Gene: MVK (mevalonate kinase; plus strand). Cytogenetic location: 12q24.11.
Variant type: Deletion.
Coding change: c.596_606del on transcript NM_000431.4 (MANE Select); coding-DNA positions 596 to 606, 11 bases deleted (ACCCCTCCGGA).
Protein change: p.Asn199fs; shifts the reading frame from asparagine 199.
Molecular consequence: frameshift variant. On other transcripts: non-coding transcript variant (4).
Genome position (GRCh38, 1-based): chr12:109,586,090-109,586,100, ACCCCTCCGGA deleted; deleting any 11 consecutive bases within chr12:109,586,087-109,586,100 gives the same sequence; the c. name uses the placement nearest the transcript's 3' end. VCF-style (leftmost placement, unchanged base first): chr12-109586086-GGGAACCCCTCC-G. GRCh37 (hg19) VCF-style: chr12-110023891-GGGAACCCCTCC-G.
Other names: c.596_606del, p.Asn199fs (NM_001114185.3, NM_001414511.1, NM_001414512.1 and 1 more transcripts); c.440_450del, p.Asn147fs (NM_001301182.2, NM_001414514.1); c.14_24del, p.Asn5fs (NM_001414515.1); short protein forms N5fs, N147fs, N199fs.
Identifiers: ClinVar variation 5005032 (VCV005005032.2).
Genomic context (GRCh38, chr12:109,586,086, plus strand): 5'-ACCAAGGAGGATTTGGAGCTAATTAACAAGTGGGCCTTCCAAGGGGAGAGAATGATTCAC[GGGAACCCCTCC>G]GGAGTGGACAATGCTGTCAGCACCTGGGGTAGGTGTGGCCTCAGGTTTATTTTATTGTTG-3'